The following is an entry in ClinVar:

NM_025074.7(FRAS1):c.682T>C (p.Tyr228His)

Gene: FRAS1 (Fraser extracellular matrix complex subunit 1; plus strand). Cytogenetic location: 4q21.21.
Variant type: single nucleotide variant.
Coding change: c.682T>C on transcript NM_025074.7 (MANE Select); coding-DNA position 682, T replaced by C.
Protein change: p.Tyr228His; replaces tyrosine 228 with histidine.
Molecular consequence: missense variant.
Genome position (GRCh38, 1-based): chr4:78,265,103, T>C. VCF-style: chr4-78265103-T-C. GRCh37 (hg19) VCF-style: chr4-79186257-T-C.
Other names: p.Tyr228His; c.682T>C, p.Tyr228His (NM_001166133.2); short protein forms Y228H.
Identifiers: ClinVar variation 349666 (VCV000349666.16), dbSNP rs7682296, ClinGen allele CA2976037.

ClinVar aggregate classification (germline): Benign. Review status: criteria provided, multiple submitters, no conflicts (2 of 4 stars). 4 submissions from 4 submitters: Benign (4). Last evaluated 2026-02-02.

Conditions:
Fraser syndrome 1 (FRASRS1). Also called: CRYPTOPHTHALMOS WITH OTHER MALFORMATIONS. Identifiers: Orphanet 2052, MedGen C4551480, MONDO:0054737, OMIM 219000.

Allele frequency attached by ClinVar (database versions not stated): gnomAD exomes 0.00248 and 0.00654; ExAC 0.00865; gnomAD 0.02571 and 0.02766; TOPMed 0.02953; ESP Exome Variant Server 0.02960; 1000 Genomes Project 0.02995; 1000 Genomes Project 30x 0.03139.
gnomAD v4.1: 7,682 of 1,611,226 alleles (0.48%); highest among the groups gnomAD compares: African/African-American, 8.9%; 312 homozygotes.

Submissions (4):

Labcorp Genetics (formerly Invitae), Labcorp
Classification: Benign. Last evaluated: 2026-02-02. Review status: criteria provided, single submitter. Criteria: Invitae Variant Classification Sherloc (09022015). Collection method: clinical testing. Allele origin: germline.

Mayo Clinic Laboratories, Mayo Clinic
Classification: Benign. Last evaluated: 2023-04-10. Review status: criteria provided, single submitter. Criteria: ACMG Guidelines, 2015. Collection method: clinical testing. Allele origin: germline. Observed: 2 variant alleles.

Illumina Laboratory Services, Illumina
Classification: Benign for Fraser syndrome 1. Last evaluated: 2018-01-13. Review status: criteria provided, single submitter. Criteria: ICSL Variant Classification Criteria 13 December 2019. Collection method: clinical testing. Allele origin: germline.
Comment: This variant was observed in the ICSL laboratory as part of a predisposition screen in an ostensibly healthy population. It had not been previously curated by ICSL or reported in the Human Gene Mutation Database (HGMD: prior to June 1st, 2018), and was therefore a candidate for classification through an automated scoring system. Utilizing variant allele frequency, disease prevalence and penetrance estimates, and inheritance mode, an automated score was calculated to assess if this variant is too frequent to cause the disease. Based on the score and internal cut-off values, a variant classified as benign is not then subjected to further curation. The score for this variant resulted in a classification of benign for this disease.

Breakthrough Genomics
Classification: Benign. Review status: criteria provided, single submitter. Criteria: ACMG Guidelines, 2015. Collection method: not provided. Allele origin: germline. Inheritance: Autosomal recessive inheritance. Affected: yes.